The following is an entry in ClinVar:

ClinVar aggregate classification (germline): Likely benign. Review status: criteria provided, multiple submitters, no conflicts (2 of 4 stars). 4 submissions from 4 submitters: Likely benign (4). Last evaluated 2025-11-01.

Conditions:
Cardiovascular phenotype. Identifiers: MedGen CN230736.
Telangiectasia, hereditary hemorrhagic, type 2 (HHT2). Also called: Telangiectasia, hereditary hemorrhagic, type II; ACVRL1-Related Hereditary Hemorrhagic Telangiectasia. Identifiers: Orphanet 774, MedGen C1838163, MONDO:0010880, OMIM 600376. Disease mechanism: loss of function.

Allele frequency attached by ClinVar (database versions not stated): ExAC 0.00004; TOPMed 0.00012; ESP Exome Variant Server 0.00031.
gnomAD v4.1: 230 of 1,603,158 alleles (0.014%); highest among the groups gnomAD compares: Non-Finnish European, 0.017%; no homozygotes.

Submissions (4):

Labcorp Genetics (formerly Invitae), Labcorp
Classification: Likely benign for Telangiectasia, hereditary hemorrhagic, type 2. Last evaluated: 2025-11-01. Review status: criteria provided, single submitter. Criteria: Invitae Variant Classification Sherloc (09022015). Collection method: clinical testing. Allele origin: germline.

Mayo Clinic Laboratories, Mayo Clinic
Classification: Likely benign. Last evaluated: 2025-01-31. Review status: criteria provided, single submitter. Criteria: ACMG Guidelines, 2015. Collection method: clinical testing. Allele origin: germline. Observed: 1 variant allele.
Comment: BS1, BP4, BP7

Ambry Genetics
Classification: Likely benign for Cardiovascular phenotype. Last evaluated: 2023-06-14. Review status: criteria provided, single submitter. Criteria: Ambry Variant Classification Scheme 2023. Collection method: clinical testing. Allele origin: germline.

ARUP Laboratories, Molecular Genetics and Genomics, ARUP Laboratories
Classification: Likely benign. Last evaluated: 2016-12-19. Review status: criteria provided, single submitter. Criteria: ARUP Molecular Germline Variant Investigation Process. Collection method: clinical testing. Allele origin: germline.

NM_000020.3(ACVRL1):c.375C>T (p.Pro125=)

Gene: ACVRL1 (activin A receptor like type 1; plus strand). Cytogenetic location: 12q13.13.
Variant type: single nucleotide variant.
Coding change: c.375C>T on transcript NM_000020.3 (MANE Select); coding-DNA position 375, C replaced by T.
Protein change: p.Pro125=; no amino-acid change (proline 125 retained).
Molecular consequence: synonymous variant.
Genome position (GRCh38, 1-based): chr12:51,913,620, C>T. VCF-style: chr12-51913620-C-T. GRCh37 (hg19) VCF-style: chr12-52307404-C-T.
Other names: p.Pro125=; c.375C>T, p.Pro125= (NM_001077401.2).
Identifiers: ClinVar variation 439386 (VCV000439386.18), dbSNP rs148975811, ClinGen allele CA6572895.
Genomic context (GRCh38, chr12:51,913,620, plus strand): 5'-CACCCAACCTCCTTCGGAGCAGCCGGGAACAGATGGCCAGCTGGCCCTGATCCTGGGCCC[C>T]GTGCTGGCCTTGCTGGCCCTGGTGGCCCTGGGTGTCCTGGGCCTGTGGCATGTCCGACGG-3'
Protein context (NP_000011.2, residues 115-135): TDGQLALILG[Pro125=]VLALLALVAL